The following is an entry in ClinVar:

NM_015610.4(WIPI2):c.1074C>T (p.Asn358=)

Gene: WIPI2 (WD repeat domain, phosphoinositide interacting 2; plus strand). Cytogenetic location: 7p22.1.
Variant type: single nucleotide variant.
Coding change: c.1074C>T on transcript NM_015610.4 (MANE Select); coding-DNA position 1074, C replaced by T.
Protein change: p.Asn358=; no amino-acid change (asparagine 358 retained).
Molecular consequence: synonymous variant.
Genome position (GRCh38, 1-based): chr7:5,228,164, C>T. VCF-style: chr7-5228164-C-T. GRCh37 (hg19) VCF-style: chr7-5267795-C-T.
Other names: c.1074C>T, p.Asn358= (NM_001033518.2); c.1020C>T, p.Asn340= (NM_001033519.2, NM_016003.4); c.897C>T, p.Asn299= (NM_001033520.1); c.642C>T, p.Asn214= (NM_001278299.2).
Identifiers: ClinVar variation 4820853 (VCV004820853.4).

ClinVar aggregate classification (germline): Likely benign (1 of 4 stars; one submission).

gnomAD v4.1: 209 of 1,613,736 alleles (0.013%); highest among the groups gnomAD compares: Non-Finnish European, 0.016%; no homozygotes.

Submission:

CeGaT Center for Human Genetics Tuebingen
Classification: Likely benign. Last evaluated: 2026-02-01. Review status: criteria provided, single submitter. Criteria: CeGaT Center For Human Genetics Tuebingen Variant Classification Criteria Version 2. Collection method: clinical testing. Allele origin: germline. Affected: yes. Observed: 1 variant allele.
Comment: WIPI2: BP4, BP7